The following is an entry in ClinVar:

NM_002693.3(POLG):c.2008C>G (p.Pro670Ala)

Gene: POLG (DNA polymerase gamma, catalytic subunit; minus strand). Cytogenetic location: 15q26.1.
Variant type: single nucleotide variant.
Coding change: c.2008C>G on transcript NM_002693.3 (MANE Select); coding-DNA position 2008, C replaced by G.
Protein change: p.Pro670Ala; replaces proline 670 with alanine.
Molecular consequence: missense variant.
Genome position (GRCh38, 1-based): chr15:89,324,169, G>C on the plus strand (C>G on the coding strand, the complement: POLG is on the minus strand). VCF-style: chr15-89324169-G-C. GRCh37 (hg19) VCF-style: chr15-89867400-G-C.
Other names: c.2008C>G, p.Pro670Ala (NM_001126131.2); short protein forms P670A.
Identifiers: ClinVar variation 1917829 (VCV001917829.2), dbSNP rs771980703, ClinGen allele CA393757650.

ClinVar aggregate classification (germline): Uncertain significance (1 of 4 stars; one submission).

Conditions:
Progressive sclerosing poliodystrophy (MTDPS4A). Also called: Alpers-Huttenlocher Syndrome; Mitochondrial DNA Depletion Syndrome 4A; ALPERS PROGRESSIVE INFANTILE POLIODYSTROPHY; NEURONAL DEGENERATION OF CHILDHOOD WITH LIVER DISEASE, PROGRESSIVE; Alpers-Huttenlocher Syndrome (AHS); Alpers Syndrome. Identifiers: Orphanet 726, MedGen C0205710, MONDO:0008758, OMIM 203700.

Allele frequency attached by ClinVar (database versions not stated): TOPMed below 0.00001.

Submission:

Labcorp Genetics (formerly Invitae), Labcorp
Classification: Uncertain significance for Progressive sclerosing poliodystrophy. Last evaluated: 2022-08-15. Review status: criteria provided, single submitter. Criteria: Invitae Variant Classification Sherloc (09022015). Collection method: clinical testing. Allele origin: germline.
Comment: This sequence change replaces proline, which is neutral and non-polar, with alanine, which is neutral and non-polar, at codon 670 of the POLG protein (p.Pro670Ala). This variant is not present in population databases (gnomAD no frequency). This variant has not been reported in the literature in individuals affected with POLG-related conditions. Algorithms developed to predict the effect of missense changes on protein structure and function (SIFT, PolyPhen-2, Align-GVGD) all suggest that this variant is likely to be tolerated. In summary, the available evidence is currently insufficient to determine the role of this variant in disease. Therefore, it has been classified as a Variant of Uncertain Significance.